The following is an entry in ClinVar:

ClinVar aggregate classification (germline): Uncertain significance (1 of 4 stars; one submission).

Conditions:
Congenital disorder of glycosylation, type Iaa. Also called: Congenital disorder of glycosylation, type 1aa. Identifiers: MedGen C4310727, MONDO:0014904, OMIM 617082.

Allele frequency attached by ClinVar (database versions not stated): gnomAD 0.00001; gnomAD exomes 0.00001 and below 0.00001; TOPMed 0.00002.

Submission:

Labcorp Genetics (formerly Invitae), Labcorp
Classification: Uncertain significance for Congenital disorder of glycosylation, type Iaa. Last evaluated: 2024-02-16. Review status: criteria provided, single submitter. Criteria: Invitae Variant Classification Sherloc (09022015). Collection method: clinical testing. Allele origin: germline.
Comment: This sequence change replaces arginine, which is basic and polar, with cysteine, which is neutral and slightly polar, at codon 88 of the NUS1 protein (p.Arg88Cys). This variant is present in population databases (no rsID available, gnomAD 0.002%). This variant has not been reported in the literature in individuals affected with NUS1-related conditions. ClinVar contains an entry for this variant (Variation ID: 1496544). An algorithm developed to predict the effect of missense changes on protein structure and function (PolyPhen-2) suggests that this variant is likely to be disruptive. In summary, the available evidence is currently insufficient to determine the role of this variant in disease. Therefore, it has been classified as a Variant of Uncertain Significance.

NM_138459.5(NUS1):c.262C>T (p.Arg88Cys)

Gene: NUS1 (NUS1 dehydrodolichyl diphosphate synthase subunit; plus strand). Cytogenetic location: 6q22.1.
Variant type: single nucleotide variant.
Coding change: c.262C>T on transcript NM_138459.5 (MANE Select); coding-DNA position 262, C replaced by T.
Protein change: p.Arg88Cys; replaces arginine 88 with cysteine.
Molecular consequence: missense variant.
Genome position (GRCh38, 1-based): chr6:117,675,932, C>T. VCF-style: chr6-117675932-C-T. GRCh37 (hg19) VCF-style: chr6-117997095-C-T.
Other names: short protein forms R88C.
Identifiers: ClinVar variation 1496544 (VCV001496544.8), dbSNP rs1426327353, ClinGen allele CA365536233.
Genomic context (GRCh38, chr6:117,675,932, plus strand): 5'-CACCACCGGCACCCGCGCGGGGGGTCGTGCCTGGCAGCCGCACACCACCGGATGCGCTGG[C>T]GCGCGGACGGTCGTTCCTTGGAGAAGCTGCCTGTGCATATGGGCCTGGTGATCACCGAGG-3'
Protein context (NP_612468.1, residues 78-98): LAAAHHRMRW[Arg88Cys]ADGRSLEKLP